The following is an entry in ClinVar:

NM_001365951.3(KIF1B):c.215G>T (p.Arg72Leu)

Gene: KIF1B (kinesin family member 1B; plus strand). Cytogenetic location: 1p36.22.
Variant type: single nucleotide variant.
Coding change: c.215G>T on transcript NM_001365951.3 (MANE Select); coding-DNA position 215, G replaced by T.
Protein change: p.Arg72Leu; replaces arginine 72 with leucine.
Molecular consequence: missense variant.
Genome position (GRCh38, 1-based): chr1:10,258,524, G>T. VCF-style: chr1-10258524-G-T. GRCh37 (hg19) VCF-style: chr1-10318582-G-T.
Other names: c.215G>T, p.Arg72Leu (NM_001365952.1, NM_001365953.1, NM_015074.3 and 1 more transcripts); short protein forms R72L.
Identifiers: ClinVar variation 3533936 (VCV003533936.1).

ClinVar aggregate classification (germline): Uncertain significance (1 of 4 stars; one submission).

Submission:

Ambry Genetics
Classification: Uncertain significance. Last evaluated: 2024-07-17. Review status: criteria provided, single submitter. Criteria: Ambry Variant Classification Scheme 2023. Collection method: clinical testing. Allele origin: germline.
Comment: The p.R72L variant (also known as c.215G>T), located in coding exon 3 of the KIF1B gene, results from a G to T substitution at nucleotide position 215. The arginine at codon 72 is replaced by leucine, an amino acid with dissimilar properties. This amino acid position is conserved. In addition, this alteration is predicted to be tolerated by in silico analysis. Based on the available evidence, the clinical significance of this variant remains unclear.